The following is an entry in ClinVar:

ClinVar aggregate classification (germline): Uncertain significance (1 of 4 stars; one submission).

Allele frequency attached by ClinVar (database versions not stated): gnomAD exomes below 0.00001; gnomAD 0.00001; TOPMed 0.00001.
gnomAD v4.1: 2 of 1,612,674 alleles (0.00012%); highest among the groups gnomAD compares: Admixed American, 0.0033%; no homozygotes.

Submission:

Labcorp Genetics (formerly Invitae), Labcorp
Classification: Uncertain significance. Last evaluated: 2022-03-21. Review status: criteria provided, single submitter. Criteria: Invitae Variant Classification Sherloc (09022015). Collection method: clinical testing. Allele origin: germline.
Comment: In summary, the available evidence is currently insufficient to determine the role of this variant in disease. Therefore, it has been classified as a Variant of Uncertain Significance. Algorithms developed to predict the effect of missense changes on protein structure and function are either unavailable or do not agree on the potential impact of this missense change (SIFT: "Deleterious"; PolyPhen-2: "Probably Damaging"; Align-GVGD: "Class C0"). ClinVar contains an entry for this variant (Variation ID: 241856). This variant has not been reported in the literature in individuals affected with ABRAXAS1-related conditions. This variant is not present in population databases (gnomAD no frequency). This sequence change replaces tyrosine, which is neutral and polar, with phenylalanine, which is neutral and non-polar, at codon 100 of the ABRAXAS1 protein (p.Tyr100Phe).

NM_139076.3(ABRAXAS1):c.299A>T (p.Tyr100Phe)

Gene: ABRAXAS1 (abraxas 1, BRCA1 A complex subunit; minus strand). Cytogenetic location: 4q21.23.
Variant type: single nucleotide variant.
Coding change: c.299A>T on transcript NM_139076.3 (MANE Select); coding-DNA position 299, A replaced by T.
Protein change: p.Tyr100Phe; replaces tyrosine 100 with phenylalanine.
Molecular consequence: missense variant. On other transcripts: 5 prime UTR variant (1).
Genome position (GRCh38, 1-based): chr4:83,470,380, T>A on the plus strand (A>T on the coding strand, the complement: ABRAXAS1 is on the minus strand). VCF-style: chr4-83470380-T-A. GRCh37 (hg19) VCF-style: chr4-84391533-T-A.
Other names: c.-29A>T (NM_001345962.2); short protein forms Y100F.
Identifiers: ClinVar variation 241856 (VCV000241856.10), dbSNP rs878855207, ClinGen allele CA10582270.